The following is an entry in ClinVar:

ClinVar aggregate classification (germline): Pathogenic (1 of 4 stars; one submission).

Submission:

Labcorp Genetics (formerly Invitae), Labcorp
Classification: Pathogenic. Last evaluated: 2023-06-29. Review status: criteria provided, single submitter. Criteria: Invitae Variant Classification Sherloc (09022015). Collection method: clinical testing. Allele origin: germline.
Comment: This sequence change creates a premature translational stop signal (p.Glu237Glyfs*18) in the DFNB59 gene. While this is not anticipated to result in nonsense mediated decay, it is expected to disrupt the last 116 amino acid(s) of the DFNB59 protein. This variant is present in population databases (no rsID available, gnomAD 0.002%). This variant has not been reported in the literature in individuals affected with DFNB59-related conditions. This variant disrupts a region of the DFNB59 protein in which other variant(s) (p.Val330Leufs*7) have been determined to be pathogenic (PMID: 17718865). This suggests that this is a clinically significant region of the protein, and that variants that disrupt it are likely to be disease-causing. For these reasons, this variant has been classified as Pathogenic.

Literature cited by the submitters: PubMed 17718865.

NM_001042702.5(PJVK):c.709dup (p.Glu237fs)

Gene: PJVK (pejvakin; plus strand). Cytogenetic location: 2q31.2.
Variant type: Duplication.
Coding change: c.709dup on transcript NM_001042702.5 (MANE Select); coding-DNA position 709, one base duplicated (G; older notation c.709dupG).
Protein change: p.Glu237fs; shifts the reading frame from glutamic acid 237.
Molecular consequence: frameshift variant. On other transcripts: intron variant (1).
Genome position (GRCh38, 1-based): chr2:178,460,389, G duplicated; the last of 3 consecutive G bases (chr2:178,460,387-178,460,389); duplicating any one gives the same sequence. VCF-style (leftmost placement, unchanged base first): chr2-178460386-A-AG. GRCh37 (hg19) VCF-style: chr2-179325113-A-AG.
Other names: c.718dup, p.Glu240fs (NM_001353775.2); c.232dup, p.Glu78fs (NM_001353777.1, NM_001353778.2); c.709dup, p.Glu237fs (NM_001369912.1); c.773-593dup (NM_001353776.2); short protein forms E237fs, E240fs, E78fs.
Identifiers: ClinVar variation 3001211 (VCV003001211.3), dbSNP rs1256753725, ClinGen allele CA538085488.
Genomic context (GRCh38, chr2:178,460,386, plus strand): 5'-CTTCTAACAATTTTTTTTGTAGACCTTTGTGTCACTTCAGTGTCAAAAGGAGGATTTGAA[A>AG]GGGAAGAAACGGCAACATTTGCACTGCTGTACAGGTTGAGAAATATCCTATTTGAAAGAA-3'